The following is an entry in ClinVar:

NM_004082.5(DCTN1):c.2294G>A (p.Gly765Glu)

Gene: DCTN1 (dynactin subunit 1; minus strand). Cytogenetic location: 2p13.1.
Variant type: single nucleotide variant.
Coding change: c.2294G>A on transcript NM_004082.5 (MANE Select); coding-DNA position 2294, G replaced by A.
Protein change: p.Gly765Glu; replaces glycine 765 with glutamic acid.
Molecular consequence: missense variant. On other transcripts: non-coding transcript variant (1).
Genome position (GRCh38, 1-based): chr2:74,367,067, C>T on the plus strand (G>A on the coding strand, the complement: DCTN1 is on the minus strand). VCF-style: chr2-74367067-C-T. GRCh37 (hg19) VCF-style: chr2-74594194-C-T.
Other names: c.2234G>A, p.Gly745Glu (NM_001135040.3); c.1892G>A, p.Gly631Glu (NM_001135041.3, NM_023019.4); c.2183G>A, p.Gly728Glu (NM_001190836.2); c.2273G>A, p.Gly758Glu (NM_001190837.2); c.2243G>A, p.Gly748Glu (NM_001378991.1); c.2225G>A, p.Gly742Glu (NM_001378992.1); short protein forms G745E, G748E, G758E, G765E, G631E, G728E, G742E.
Identifiers: ClinVar variation 946272 (VCV000946272.10), dbSNP rs1410846987, ClinGen allele CA347348550.

ClinVar aggregate classification (germline): Uncertain significance (1 of 4 stars; one submission).

Conditions:
Neuronopathy, distal hereditary motor, type 7B. Also called: Distal Hereditary Motor Neuronopathy Type 7B (dHMN7B); HMN VIIB; NEURONOPATHY, DISTAL HEREDITARY MOTOR, AUTOSOMAL DOMINANT 14; NEURONOPATHY, DISTAL HEREDITARY MOTOR, HARDING TYPE VIIB; NEUROPATHY, DISTAL HEREDITARY MOTOR, HARDING TYPE VIIB; NEUROPATHY, DISTAL HEREDITARY MOTOR, WITH VOCAL CORD PARALYSIS, HARDING TYPE VIIB. Identifiers: Orphanet 139589, MedGen C1843315, MONDO:0011879, OMIM 607641.
Amyotrophic lateral sclerosis type 1 (ALS1). Also called: AMYOTROPHIC LATERAL SCLEROSIS 1, FAMILIAL. Identifiers: Orphanet 803, MedGen C1862939, MONDO:0007103, OMIM 105400.
Perry syndrome. Also called: PARKINSONISM WITH ALVEOLAR HYPOVENTILATION AND MENTAL DEPRESSION. Identifiers: Orphanet 178509, MedGen C1868594, MONDO:0008201, OMIM 168605.

Allele frequency attached by ClinVar (database versions not stated): gnomAD exomes below 0.00001; TOPMed 0.00001.
gnomAD v4.1: 2 of 1,614,232 alleles (0.00012%); highest among the groups gnomAD compares: East Asian, 0.0022%; no homozygotes.

Submission:

Labcorp Genetics (formerly Invitae), Labcorp
Classification: Uncertain significance for Amyotrophic lateral sclerosis type 1; Neuronopathy, distal hereditary motor, type 7B; Perry syndrome. Last evaluated: 2025-04-24. Review status: criteria provided, single submitter. Criteria: Invitae Variant Classification Sherloc (09022015). Collection method: clinical testing. Allele origin: germline.
Comment: This sequence change replaces glycine, which is neutral and non-polar, with glutamic acid, which is acidic and polar, at codon 765 of the DCTN1 protein (p.Gly765Glu). This variant is present in population databases (no rsID available, gnomAD 0.0009%). This variant has not been reported in the literature in individuals affected with DCTN1-related conditions. ClinVar contains an entry for this variant (Variation ID: 946272). Invitae Evidence Modeling of protein sequence and biophysical properties (such as structural, functional, and spatial information, amino acid conservation, physicochemical variation, residue mobility, and thermodynamic stability) has been performed for this missense variant. However, the output from this modeling did not meet the statistical confidence thresholds required to predict the impact of this variant on DCTN1 protein function. In summary, the available evidence is currently insufficient to determine the role of this variant in disease. Therefore, it has been classified as a Variant of Uncertain Significance.